The following is an entry in ClinVar:

NM_003579.4(RAD54L):c.1328G>A (p.Ser443Asn)

Gene: RAD54L (RAD54 like; plus strand). Cytogenetic location: 1p34.1.
Variant type: single nucleotide variant.
Coding change: c.1328G>A on transcript NM_003579.4 (MANE Select); coding-DNA position 1328, G replaced by A.
Protein change: p.Ser443Asn; replaces serine 443 with asparagine.
Molecular consequence: missense variant.
Genome position (GRCh38, 1-based): chr1:46,272,755, G>A. VCF-style: chr1-46272755-G-A. GRCh37 (hg19) VCF-style: chr1-46738427-G-A.
Other names: c.1328G>A, p.Ser443Asn (NM_001142548.2); c.788G>A, p.Ser263Asn (NM_001370766.1); short protein forms S263N, S443N.
Identifiers: ClinVar variation 3223405 (VCV003223405.1), dbSNP rs1477132296, ClinGen allele CA340179654.

ClinVar aggregate classification (germline): Uncertain significance (1 of 4 stars; one submission).

gnomAD v4.1: 1 of 1,614,188 alleles (0.000062%); highest among the groups gnomAD compares: Non-Finnish European, 0.000085%; no homozygotes.

Submission:

Ambry Genetics
Classification: Uncertain significance. Last evaluated: 2023-11-14. Review status: criteria provided, single submitter. Criteria: Ambry Variant Classification Scheme 2023. Collection method: clinical testing. Allele origin: germline.
Comment: The p.S443N variant (also known as c.1328G>A), located in coding exon 12 of the RAD54L gene, results from a G to A substitution at nucleotide position 1328. The serine at codon 443 is replaced by asparagine, an amino acid with highly similar properties. This amino acid position is conserved. In addition, this alteration is predicted to be tolerated by in silico analysis. Since supporting evidence is limited at this time, the clinical significance of this alteration remains unclear.